The following is an entry in ClinVar:

ClinVar aggregate classification (germline): Uncertain significance (1 of 4 stars; one submission).

Allele frequency attached by ClinVar (database versions not stated): ESP Exome Variant Server 0.00008; ExAC 0.00009; gnomAD exomes 0.00011; gnomAD 0.00022; TOPMed 0.00028.
gnomAD v4.1: 201 of 1,607,476 alleles (0.013%); highest among the groups gnomAD compares: Admixed American, 0.079%; no homozygotes.

Submission:

Labcorp Genetics (formerly Invitae), Labcorp
Classification: Uncertain significance. Last evaluated: 2024-12-20. Review status: criteria provided, single submitter. Criteria: Invitae Variant Classification Sherloc (09022015). Collection method: clinical testing. Allele origin: germline.
Comment: This sequence change replaces arginine, which is basic and polar, with tryptophan, which is neutral and slightly polar, at codon 628 of the TCIRG1 protein (p.Arg628Trp). This variant is present in population databases (rs369197157, gnomAD 0.05%). This variant has not been reported in the literature in individuals affected with TCIRG1-related conditions. ClinVar contains an entry for this variant (Variation ID: 2150705). Invitae Evidence Modeling of protein sequence and biophysical properties (such as structural, functional, and spatial information, amino acid conservation, physicochemical variation, residue mobility, and thermodynamic stability) indicates that this missense variant is not expected to disrupt TCIRG1 protein function with a negative predictive value of 80%. In summary, the available evidence is currently insufficient to determine the role of this variant in disease. Therefore, it has been classified as a Variant of Uncertain Significance.

NM_006019.4(TCIRG1):c.1882C>T (p.Arg628Trp)

Gene: TCIRG1 (T cell immune regulator 1, ATPase H+ transporting V0 subunit a3; plus strand). Cytogenetic location: 11q13.2.
Variant type: single nucleotide variant.
Coding change: c.1882C>T on transcript NM_006019.4 (MANE Select); coding-DNA position 1882, C replaced by T.
Protein change: p.Arg628Trp; replaces arginine 628 with tryptophan.
Molecular consequence: missense variant.
Genome position (GRCh38, 1-based): chr11:68,049,289, C>T. VCF-style: chr11-68049289-C-T. GRCh37 (hg19) VCF-style: chr11-67816756-C-T.
Other names: c.988C>T, p.Arg330Trp (NM_001351059.2); c.1234C>T, p.Arg412Trp (NM_006053.4); short protein forms R628W, R330W, R412W.
Identifiers: ClinVar variation 2150705 (VCV002150705.2), dbSNP rs369197157, ClinGen allele CA6147286.
Genomic context (GRCh38, chr11:68,049,289, plus strand): 5'-ATCCACTTCATCAACATGTTCCTCTTCTCCCACAGCCCCAGCAACAGGCTGCTCTACCCC[C>T]GGCAGGTGGGCTGCGGCTGGTGGGGGCCGGGCTCACACGGCCTCATGGGGACCCCGCGGT-3'
Protein context (NP_006010.2, residues 618-638): HSPSNRLLYP[Arg628Trp]QEVVQATLVV